The following is an entry in ClinVar:

NM_001282225.2(ADA2):c.1099A>G (p.Ile367Val)

Gene: ADA2 (adenosine deaminase 2; minus strand). Cytogenetic location: 22q11.1.
Variant type: single nucleotide variant.
Coding change: c.1099A>G on transcript NM_001282225.2 (MANE Select); coding-DNA position 1099, A replaced by G.
Protein change: p.Ile367Val; replaces isoleucine 367 with valine.
Molecular consequence: missense variant.
Genome position (GRCh38, 1-based): chr22:17,182,744, T>C on the plus strand (A>G on the coding strand, the complement: ADA2 is on the minus strand). VCF-style: chr22-17182744-T-C. GRCh37 (hg19) VCF-style: chr22-17663634-T-C.
Other names: c.1099A>G, p.Ile367Val (NM_001282226.2); c.973A>G, p.Ile325Val (NM_001282227.2, NM_001282228.2); c.739A>G, p.Ile247Val (NM_001282229.2); c.376A>G, p.Ile126Val (NM_177405.3); short protein forms I325V, I247V, I367V, I126V.
Identifiers: ClinVar variation 1907183 (VCV001907183.3), dbSNP rs780583418, ClinGen allele CA410232539.

ClinVar aggregate classification (germline): Uncertain significance (1 of 4 stars; one submission).

Conditions:
Deficiency of adenosine deaminase 2. Also called: Adenosine Deaminase 2 Deficiency; VASCULITIS, AUTOINFLAMMATION, IMMUNODEFICIENCY, AND HEMATOLOGIC DEFECTS SYNDROME; Polyarteritis nodosa, childhoood-onset. Identifiers: Orphanet 404553, MedGen C3887654, MONDO:0014306, OMIM 615688, MONDO:0100317.

gnomAD v4.1: 1 of 1,613,720 alleles (0.000062%); highest among the groups gnomAD compares: African/African-American, 0.0013%; no homozygotes.

Submission:

Labcorp Genetics (formerly Invitae), Labcorp
Classification: Uncertain significance for Deficiency of adenosine deaminase 2. Last evaluated: 2022-03-27. Review status: criteria provided, single submitter. Criteria: Invitae Variant Classification Sherloc (09022015). Collection method: clinical testing. Allele origin: germline.
Comment: In summary, the available evidence is currently insufficient to determine the role of this variant in disease. Therefore, it has been classified as a Variant of Uncertain Significance. Algorithms developed to predict the effect of missense changes on protein structure and function output the following: SIFT: "Tolerated"; PolyPhen-2: "Benign"; Align-GVGD: "Class C0". The valine amino acid residue is found in multiple mammalian species, which suggests that this missense change does not adversely affect protein function. This variant has not been reported in the literature in individuals affected with ADA2-related conditions. This variant is not present in population databases (gnomAD no frequency). This sequence change replaces isoleucine, which is neutral and non-polar, with valine, which is neutral and non-polar, at codon 367 of the ADA2 protein (p.Ile367Val).